The following is an entry in ClinVar:

NM_015650.4(TRAF3IP1):c.1208C>T (p.Ser403Leu)

Gene: TRAF3IP1 (TRAF3 interacting protein 1; plus strand). Cytogenetic location: 2q37.3.
Variant type: single nucleotide variant.
Coding change: c.1208C>T on transcript NM_015650.4 (MANE Select); coding-DNA position 1208, C replaced by T.
Protein change: p.Ser403Leu; replaces serine 403 with leucine.
Molecular consequence: missense variant. On other transcripts: intron variant (1).
Genome position (GRCh38, 1-based): chr2:238,344,545, C>T. VCF-style: chr2-238344545-C-T. GRCh37 (hg19) VCF-style: chr2-239253186-C-T.
Other names: c.1064-2910C>T (NM_001139490.1); short protein forms S403L.
Identifiers: ClinVar variation 1038595 (VCV001038595.8), dbSNP rs1698802850, ClinGen allele CA351251009.

ClinVar aggregate classification (germline): Uncertain significance (1 of 4 stars; one submission).

Submission:

Labcorp Genetics (formerly Invitae), Labcorp
Classification: Uncertain significance. Last evaluated: 2020-09-11. Review status: criteria provided, single submitter. Criteria: Invitae Variant Classification Sherloc (09022015). Collection method: clinical testing. Allele origin: germline.
Comment: In summary, the available evidence is currently insufficient to determine the role of this variant in disease. Therefore, it has been classified as a Variant of Uncertain Significance. Algorithms developed to predict the effect of missense changes on protein structure and function are either unavailable or do not agree on the potential impact of this missense change (SIFT: "Deleterious"; PolyPhen-2: "Benign"; Align-GVGD: "Class C0"). This variant has not been reported in the literature in individuals with TRAF3IP1-related conditions. This variant is not present in population databases (ExAC no frequency). This sequence change replaces serine with leucine at codon 403 of the TRAF3IP1 protein (p.Ser403Leu). The serine residue is weakly conserved and there is a large physicochemical difference between serine and leucine.